The following is an entry in ClinVar:

ClinVar aggregate classification (germline): Uncertain significance (1 of 4 stars; one submission).

Conditions:
Cardiovascular phenotype. Identifiers: MedGen CN230736.

Allele frequency attached by ClinVar (database versions not stated): gnomAD 0.00001; TOPMed 0.00003.
gnomAD v4.1: 7 of 1,613,974 alleles (0.00043%); highest among the groups gnomAD compares: African/African-American, 0.0093%; no homozygotes.

Submission:

Ambry Genetics
Classification: Uncertain significance for Cardiovascular phenotype. Last evaluated: 2020-02-11. Review status: criteria provided, single submitter. Criteria: Ambry Variant Classification Scheme 2023. Collection method: clinical testing. Allele origin: germline.
Comment: The p.L2388R variant (also known as c.7163T>G), located in coding exon 29 of the TTN gene, results from a T to G substitution at nucleotide position 7163. The leucine at codon 2388 is replaced by arginine, an amino acid with dissimilar properties. This amino acid position is not well conserved in available vertebrate species. In addition, the in silico prediction for this alteration is inconclusive. Since supporting evidence is limited at this time, the clinical significance of this alteration remains unclear.

NM_001267550.2(TTN):c.7301T>G (p.Leu2434Arg)

Genes: TTN (titin; minus strand), LOC126806433 (BRD4-independent group 4 enhancer GRCh37_chr2:179638309-179639508; plus strand). Cytogenetic location: 2q31.2.
Variant type: single nucleotide variant.
Coding change: c.7301T>G on transcript NM_001267550.2 (MANE Select); coding-DNA position 7301, T replaced by G.
Protein change: p.Leu2434Arg; replaces leucine 2434 with arginine.
Molecular consequence: missense variant.
Genome position (GRCh38, 1-based): chr2:178,773,867, A>C on the plus strand (T>G on the coding strand, the complement: TTN is on the minus strand). VCF-style: chr2-178773867-A-C. GRCh37 (hg19) VCF-style: chr2-179638594-A-C.
Other names: c.7301T>G, p.Leu2434Arg (NM_001256850.1, NM_133378.4, NM_133379.5); c.7163T>G, p.Leu2388Arg (NM_003319.4, NM_133432.3, NM_133437.4); short protein forms L2388R, L2434R.
Identifiers: ClinVar variation 1757448 (VCV001757448.2), dbSNP rs774798625, ClinGen allele CA2004852.